The following is an entry in ClinVar:

NM_001035.3(RYR2):c.2641A>G (p.Ile881Val)

Gene: RYR2 (ryanodine receptor 2; plus strand). Cytogenetic location: 1q43.
Variant type: single nucleotide variant.
Coding change: c.2641A>G on transcript NM_001035.3 (MANE Select); coding-DNA position 2641, A replaced by G.
Protein change: p.Ile881Val; replaces isoleucine 881 with valine.
Molecular consequence: missense variant.
Genome position (GRCh38, 1-based): chr1:237,506,737, A>G. VCF-style: chr1-237506737-A-G. GRCh37 (hg19) VCF-style: chr1-237670037-A-G.
Other names: short protein forms I881V.
Identifiers: ClinVar variation 1409844 (VCV001409844.8), dbSNP rs773162223, ClinGen allele CA086099.

ClinVar aggregate classification (germline): Uncertain significance. Review status: criteria provided, multiple submitters, no conflicts (2 of 4 stars). 2 submissions from 2 submitters: Uncertain significance (2). Last evaluated 2026-01-15.

Conditions:
Arrhythmogenic right ventricular dysplasia 2. Identifiers: MedGen C1832931.
Catecholaminergic polymorphic ventricular tachycardia 1. Also called: RYR2-Related Catecholaminergic Polymorphic Ventricular Tachycardia; VENTRICULAR TACHYCARDIA, STRESS-INDUCED POLYMORPHIC 1; VENTRICULAR TACHYCARDIA, CATECHOLAMINERGIC POLYMORPHIC, 1, WITH OR WITHOUT ATRIAL DYSFUNCTION AND/OR DILATED CARDIOMYOPATHY. Identifiers: Orphanet 3286, MedGen C1631597, MONDO:0011484, OMIM 604772.
Ventricular arrhythmias due to cardiac ryanodine receptor calcium release deficiency syndrome. Also called: Autosomal dominant cardiac arrhythmia (Kuhn). Identifiers: MedGen C5542154, MONDO:0020745, OMIM 115000.

Allele frequency attached by ClinVar (database versions not stated): gnomAD exomes below 0.00001; ExAC 0.00001.
gnomAD v4.1: 1 of 1,613,588 alleles (0.000062%); highest among the groups gnomAD compares: South Asian, 0.0011%; no homozygotes.

Submissions (2):

Labcorp Genetics (formerly Invitae), Labcorp
Classification: Uncertain significance for Catecholaminergic polymorphic ventricular tachycardia 1. Last evaluated: 2026-01-15. Review status: criteria provided, single submitter. Criteria: Invitae Variant Classification Sherloc (09022015). Collection method: clinical testing. Allele origin: germline.
Comment: This sequence change replaces isoleucine, which is neutral and non-polar, with valine, which is neutral and non-polar, at codon 881 of the RYR2 protein (p.Ile881Val). This variant is present in population databases (rs773162223, gnomAD 0.003%). This variant has not been reported in the literature in individuals affected with RYR2-related conditions. ClinVar contains an entry for this variant (Variation ID: 1409844). Invitae Evidence Modeling of protein sequence and biophysical properties (such as structural, functional, and spatial information, amino acid conservation, physicochemical variation, residue mobility, and thermodynamic stability) indicates that this missense variant is not expected to disrupt RYR2 protein function with a negative predictive value of 95%. In summary, the available evidence is currently insufficient to determine the role of this variant in disease. Therefore, it has been classified as a Variant of Uncertain Significance.

Fulgent Genetics
Classification: Uncertain significance for Ventricular arrhythmias due to cardiac ryanodine receptor calcium release deficiency syndrome; Catecholaminergic polymorphic ventricular tachycardia 1. Last evaluated: 2021-11-04. Review status: criteria provided, single submitter. Criteria: ACMG Guidelines, 2015. Collection method: clinical testing. Allele origin: unknown.